The following is an entry in ClinVar:

ClinVar aggregate classification (germline): Uncertain significance. Review status: criteria provided, multiple submitters, no conflicts (2 of 4 stars). 2 submissions from 2 submitters: Uncertain significance (2). Last evaluated 2024-06-28.

Conditions:
Inborn genetic diseases. Identifiers: MedGen C0950123, MeSH D030342.

Allele frequency attached by ClinVar (database versions not stated): gnomAD exomes below 0.00001; ExAC 0.00001; gnomAD 0.00001 and 0.00002; TOPMed 0.00002.
gnomAD v4.1: 6 of 1,611,764 alleles (0.00037%); highest among the groups gnomAD compares: African/African-American, 0.0027%; no homozygotes.

Submissions (2):

Ambry Genetics
Classification: Uncertain significance for Inborn genetic diseases. Last evaluated: 2024-06-28. Review status: criteria provided, single submitter. Criteria: Ambry Variant Classification Scheme 2023. Collection method: clinical testing. Allele origin: germline.

Labcorp Genetics (formerly Invitae), Labcorp
Classification: Uncertain significance. Last evaluated: 2022-10-17. Review status: criteria provided, single submitter. Criteria: Invitae Variant Classification Sherloc (09022015). Collection method: clinical testing. Allele origin: germline.
Comment: ClinVar contains an entry for this variant (Variation ID: 1471779). This sequence change replaces histidine, which is basic and polar, with arginine, which is basic and polar, at codon 1531 of the KIAA1549 protein (p.His1531Arg). This variant is present in population databases (rs777591312, gnomAD 0.007%). This variant has not been reported in the literature in individuals affected with KIAA1549-related conditions. Algorithms developed to predict the effect of missense changes on protein structure and function (SIFT, PolyPhen-2, Align-GVGD) all suggest that this variant is likely to be disruptive. In summary, the available evidence is currently insufficient to determine the role of this variant in disease. Therefore, it has been classified as a Variant of Uncertain Significance.

NM_001164665.2(KIAA1549):c.4592A>G (p.His1531Arg)

Gene: KIAA1549 (KIAA1549; minus strand). Cytogenetic location: 7q34.
Variant type: single nucleotide variant.
Coding change: c.4592A>G on transcript NM_001164665.2 (MANE Select); coding-DNA position 4592, A replaced by G.
Protein change: p.His1531Arg; replaces histidine 1531 with arginine.
Molecular consequence: missense variant.
Genome position (GRCh38, 1-based): chr7:138,869,721, T>C on the plus strand (A>G on the coding strand, the complement: KIAA1549 is on the minus strand). VCF-style: chr7-138869721-T-C. GRCh37 (hg19) VCF-style: chr7-138554467-T-C.
Other names: c.4592A>G, p.His1531Arg (NM_020910.3); c.4592A>G (NM_001164665.1); short protein forms H1531R.
Identifiers: ClinVar variation 1471779 (VCV001471779.9), dbSNP rs777591312, ClinGen allele CA4505829.